The following is an entry in ClinVar:

NM_001374828.1(ARID1B):c.6072dup (p.Lys2025Ter)

Gene: ARID1B (AT-rich interaction domain 1B; plus strand). Cytogenetic location: 6q25.3.
Variant type: Duplication.
Coding change: c.6072dup on transcript NM_001374828.1 (MANE Select); coding-DNA position 6072, one base duplicated (T; older notation c.6072dupT).
Protein change: p.Lys2025Ter; replaces lysine 2025 with a stop codon.
Molecular consequence: nonsense.
Genome position (GRCh38, 1-based): chr6:157,206,844, T duplicated. VCF-style (leftmost placement, unchanged base first): chr6-157206843-G-GT. GRCh37 (hg19) VCF-style: chr6-157527977-G-GT.
Other names: NM_001374828.1(ARID1B):c.6072dup; p.Lys2025Ter; c.5703dupT (NM_020732.3); c.3573dup, p.Lys1192Ter (NM_001363725.2); c.5952dup, p.Lys1985Ter (NM_001371656.1, NM_001374820.1); c.5913dup, p.Lys1972Ter (NM_017519.3); c.5703dup (NM_020732.3); short protein forms K1192*, K1972*, K1985*, K2025*.
Identifiers: ClinVar variation 280727 (VCV000280727.8), dbSNP rs886041878, ClinGen allele CA10602937.

ClinVar aggregate classification (germline): Pathogenic/Likely pathogenic. Review status: criteria provided, multiple submitters, no conflicts (2 of 4 stars). 4 submissions from 4 submitters: Pathogenic (3); Likely pathogenic (1). Last evaluated 2023-08-16.

Conditions:
Coffin-Siris syndrome 1 (CSS1). Also called: ARID1B-Related Coffin-Siris Syndrome; Mental retardation, autosomal dominant 12. Identifiers: Orphanet 1465, MedGen C3281201, MONDO:0007617, OMIM 135900. Disease mechanism: gain of function.

Submissions (4):

GeneDx
Classification: Pathogenic. Last evaluated: 2023-08-16. Review status: criteria provided, single submitter. Criteria: GeneDx Variant Classification Process June 2021. Collection method: clinical testing. Allele origin: germline. Affected: yes.
Comment: Reported as a heterozygous pathogenic variant in one individual from a cohort of patients with hypotonia; detailed clinical information unavailable (Sharma et al., 2021); Nonsense variant predicted to result in protein truncation, as the last 348 amino acids are lost, and other loss-of-function variants have been reported downstream in HGMD; Not observed at significant frequency in large population cohorts (gnomAD); This variant is associated with the following publications: (PMID: 34480364)

Broad Center for Mendelian Genomics, Broad Institute of MIT and Harvard
Classification: Likely pathogenic for Coffin-Siris syndrome 1. Last evaluated: 2023-05-02. Review status: criteria provided, single submitter. Criteria: ACMG Guidelines, 2015. Collection method: curation. Allele origin: germline. Inheritance: Autosomal dominant inheritance.
Comment: Trio exome analysis showed this variant to be de novo. The p.Lys1902Ter variant in ARID1B has been previously reported in one individual with Coffin-Siris syndrome 1 (PMID: 34480364). This variant was found to be de novo in one individual with confirmed paternity and maternity (ClinVar Accession ID: SCV000511643.1). This variant has also been reported in ClinVar (Variation ID: 280727) and has been interpreted as pathogenic by GeneDx, Children's Mercy Hospital and Clinics Center for Pediatric Genomic Medicine, and Genome-Nilou Lab. This variant was absent from large population studies. This variant is predicted to cause a frameshift, which alters the protein‚Äôs amino acid sequence beginning at position 1902 and leads to a premature termination codon 1 amino acids downstream. This termination codon occurs within the last exon and is more likely to escape nonsense mediated decay (NMD) and result in a truncated protein. Heterozygous loss of function of the ARID1B gene is an established disease mechanism in autosomal dominant Coffin-Siris syndrome 1. In summary, although additional studies are required to fully establish its clinical significance, this variant is likely pathogenic for autosomal dominant Coffin-Siris syndrome 1. ACMG/AMP Criteria applied: PVS1_Strong, PS2_Moderate, PS4_Supporting, PM2_Supporting (Richards 2015).

Genome-Nilou Lab
Classification: Pathogenic for Coffin-Siris syndrome 1. Last evaluated: 2021-07-15. Review status: criteria provided, single submitter. Criteria: ACMG Guidelines, 2015. Collection method: clinical testing. Allele origin: germline. Affected: no.

Center for Pediatric Genomic Medicine, Children's Mercy Hospital and Clinics
Classification: Pathogenic. Last evaluated: 2016-07-06. Review status: criteria provided, single submitter. Criteria: ACMG Guidelines, 2015. Collection method: clinical testing. Allele origin: de novo.